The following is an entry in ClinVar:

ClinVar aggregate classification (germline): Likely benign (1 of 4 stars; one submission).

Allele frequency attached by ClinVar (database versions not stated): gnomAD 0.00011; gnomAD exomes 0.00011; TOPMed 0.00011; ESP Exome Variant Server 0.00015; ExAC 0.00033.
gnomAD v4.1: 167 of 1,556,616 alleles (0.011%); highest among the groups gnomAD compares: Non-Finnish European, 0.013%; no homozygotes.

Submission:

CeGaT Center for Human Genetics Tuebingen
Classification: Likely benign. Last evaluated: 2022-04-01. Review status: criteria provided, single submitter. Criteria: CeGaT Center For Human Genetics Tuebingen Variant Classification Criteria Version 2. Collection method: clinical testing. Allele origin: germline. Affected: yes. Observed: 1 variant allele.
Comment: ZNF512B: BP4, BP7

NM_020713.3(ZNF512B):c.1962G>A (p.Thr654=)

Gene: ZNF512B (zinc finger protein 512B; minus strand). Cytogenetic location: 20q13.33.
Variant type: single nucleotide variant.
Coding change: c.1962G>A on transcript NM_020713.3 (MANE Select); coding-DNA position 1962, G replaced by A.
Protein change: p.Thr654=; no amino-acid change (threonine 654 retained).
Molecular consequence: synonymous variant.
Genome position (GRCh38, 1-based): chr20:63,963,101, C>T on the plus strand (G>A on the coding strand, the complement: ZNF512B is on the minus strand). VCF-style: chr20-63963101-C-T. GRCh37 (hg19) VCF-style: chr20-62594454-C-T.
Identifiers: ClinVar variation 2652563 (VCV002652563.24), dbSNP rs147556068, ClinGen allele CA9970947.